The following is an entry in ClinVar:

ClinVar aggregate classification (germline): Uncertain significance (1 of 4 stars; one submission).

Submission:

Labcorp Genetics (formerly Invitae), Labcorp
Classification: Uncertain significance. Last evaluated: 2020-12-23. Review status: criteria provided, single submitter. Criteria: Invitae Variant Classification Sherloc (09022015). Collection method: clinical testing. Allele origin: germline.
Comment: This sequence change affects codon 705 of the TTC37 mRNA. It is a 'silent' change, meaning that it does not change the encoded amino acid sequence of the TTC37 protein. This variant is not present in population databases (ExAC no frequency). This variant has not been reported in the literature in individuals with TTC37-related conditions. Algorithms developed to predict the effect of sequence changes on RNA splicing suggest that this variant is not likely to affect RNA splicing, but this prediction has not been confirmed by published transcriptional studies. In summary, the available evidence is currently insufficient to determine the role of this variant in disease. Therefore, it has been classified as a Variant of Uncertain Significance.

NM_014639.4(SKIC3):c.2115T>C (p.Cys705=)

Gene: SKIC3 (SKI3 subunit of superkiller complex; minus strand). Cytogenetic location: 5q15.
Variant type: single nucleotide variant.
Coding change: c.2115T>C on transcript NM_014639.4 (MANE Select); coding-DNA position 2115, T replaced by C.
Protein change: p.Cys705=; no amino-acid change (cysteine 705 retained).
Molecular consequence: synonymous variant.
Genome position (GRCh38, 1-based): chr5:95,517,322, A>G on the plus strand (T>C on the coding strand, the complement: SKIC3 is on the minus strand). VCF-style: chr5-95517322-A-G. GRCh37 (hg19) VCF-style: chr5-94853026-A-G.
Identifiers: ClinVar variation 1359153 (VCV001359153.8), dbSNP rs2112320548, ClinGen allele CA445484167.